The following is an entry in ClinVar:

ClinVar aggregate classification (germline): Likely benign (0 of 4 stars; one submission).

Conditions:
KRT20-related disorder. Also called: KRT20-related condition.

Allele frequency attached by ClinVar (database versions not stated): 1000 Genomes Project 0.00040; 1000 Genomes Project 30x 0.00078; gnomAD 0.00094; ExAC 0.00121; TOPMed 0.00146; gnomAD exomes 0.00155; ESP Exome Variant Server 0.00177.
gnomAD v4.1: 2,436 of 1,613,098 alleles (0.15%); highest among the groups gnomAD compares: Non-Finnish European, 0.19%; 1 homozygote.

Submission:

PreventionGenetics, part of Exact Sciences
Classification: Likely benign for KRT20-related condition. Last evaluated: 2022-02-01. Review status: no assertion criteria provided. Collection method: clinical testing. Allele origin: germline.
Comment: This variant is classified as likely benign based on ACMG/AMP sequence variant interpretation guidelines (Richards et al. 2015 PMID: 25741868, with internal and published modifications).

NM_019010.3(KRT20):c.1237G>A (p.Val413Met)

Gene: KRT20 (keratin 20; minus strand). Cytogenetic location: 17q21.2.
Variant type: single nucleotide variant.
Coding change: c.1237G>A on transcript NM_019010.3 (MANE Select); coding-DNA position 1237, G replaced by A.
Protein change: p.Val413Met; replaces valine 413 with methionine.
Molecular consequence: missense variant.
Genome position (GRCh38, 1-based): chr17:40,876,399, C>T on the plus strand (G>A on the coding strand, the complement: KRT20 is on the minus strand). VCF-style: chr17-40876399-C-T. GRCh37 (hg19) VCF-style: chr17-39032651-C-T.
Other names: short protein forms V413M.
Identifiers: ClinVar variation 3038166 (VCV003038166.2), dbSNP rs113823624, ClinGen allele CA8549001.